The following is an entry in ClinVar:

ClinVar aggregate classification (germline): Uncertain significance. Review status: criteria provided, multiple submitters, no conflicts (2 of 4 stars). 2 submissions from 2 submitters: Uncertain significance (2). Last evaluated 2024-12-07.

Conditions:
Inborn genetic diseases. Identifiers: MedGen C0950123, MeSH D030342.
Developmental and epileptic encephalopathy, 12 (DEE12). Identifiers: MedGen C3150988, MONDO:0013389, OMIM 613722.

Allele frequency attached by ClinVar (database versions not stated): gnomAD 0.00001.
gnomAD v4.1: 3 of 1,614,048 alleles (0.00019%); highest among the groups gnomAD compares: Non-Finnish European, 0.00025%; no homozygotes.

Submissions (2):

Ambry Genetics
Classification: Uncertain significance for Inborn genetic diseases. Last evaluated: 2024-12-07. Review status: criteria provided, single submitter. Criteria: Ambry Variant Classification Scheme 2023. Collection method: clinical testing. Allele origin: germline.

Labcorp Genetics (formerly Invitae), Labcorp
Classification: Uncertain significance for Developmental and epileptic encephalopathy, 12. Last evaluated: 2022-10-17. Review status: criteria provided, single submitter. Criteria: Invitae Variant Classification Sherloc (09022015). Collection method: clinical testing. Allele origin: germline.
Comment: In summary, the available evidence is currently insufficient to determine the role of this variant in disease. Therefore, it has been classified as a Variant of Uncertain Significance. Advanced modeling of protein sequence and biophysical properties (such as structural, functional, and spatial information, amino acid conservation, physicochemical variation, residue mobility, and thermodynamic stability) performed at Invitae indicates that this missense variant is not expected to disrupt PLCB1 protein function. This variant has not been reported in the literature in individuals affected with PLCB1-related conditions. This variant is not present in population databases (gnomAD no frequency). This sequence change replaces methionine, which is neutral and non-polar, with valine, which is neutral and non-polar, at codon 930 of the PLCB1 protein (p.Met930Val).

NM_015192.4(PLCB1):c.2788A>G (p.Met930Val)

Gene: PLCB1 (phospholipase C beta 1; plus strand). Cytogenetic location: 20p12.3.
Variant type: single nucleotide variant.
Coding change: c.2788A>G on transcript NM_015192.4 (MANE Select); coding-DNA position 2788, A replaced by G.
Protein change: p.Met930Val; replaces methionine 930 with valine.
Molecular consequence: missense variant.
Genome position (GRCh38, 1-based): chr20:8,765,216, A>G. VCF-style: chr20-8765216-A-G. GRCh37 (hg19) VCF-style: chr20-8745863-A-G.
Other names: c.2788A>G (NM_015192.2); c.2788A>G, p.Met930Val (NM_182734.3); short protein forms M930V.
Identifiers: ClinVar variation 1941777 (VCV001941777.6), dbSNP rs1192881615, ClinGen allele CA408208656.